The following is an entry in ClinVar:

ClinVar aggregate classification (germline): Likely benign (1 of 4 stars; one submission).

Allele frequency attached by ClinVar (database versions not stated): TOPMed 0.00039; gnomAD exomes 0.00061; ESP Exome Variant Server 0.00031; gnomAD 0.00034; ExAC 0.00038.
gnomAD v4.1: 919 of 1,614,044 alleles (0.057%); highest among the groups gnomAD compares: Non-Finnish European, 0.075%; no homozygotes.

Submission:

CeGaT Center for Human Genetics Tuebingen
Classification: Likely benign. Last evaluated: 2023-03-01. Review status: criteria provided, single submitter. Criteria: CeGaT Center For Human Genetics Tuebingen Variant Classification Criteria Version 2. Collection method: clinical testing. Allele origin: germline. Affected: yes. Observed: 1 variant allele.
Comment: GOLT1A: BP4, BP7

NM_198447.2(GOLT1A):c.72T>C (p.Phe24=)

Gene: GOLT1A (golgi transport 1A; minus strand). Cytogenetic location: 1q32.1.
Variant type: single nucleotide variant.
Coding change: c.72T>C on transcript NM_198447.2 (MANE Select); coding-DNA position 72, T replaced by C.
Protein change: p.Phe24=; no amino-acid change (phenylalanine 24 retained).
Molecular consequence: synonymous variant.
Genome position (GRCh38, 1-based): chr1:204,202,941, A>G on the plus strand (T>C on the coding strand, the complement: GOLT1A is on the minus strand). VCF-style: chr1-204202941-A-G. GRCh37 (hg19) VCF-style: chr1-204172069-A-G.
Identifiers: ClinVar variation 2639825 (VCV002639825.24), dbSNP rs146078735, ClinGen allele CA1345358.
Genomic context (GRCh38, chr1:204,202,941, plus strand): 5'-GGCTGGGAGACTCACGTTTCCAAAGGCCAGGAGCACGGAATCAAAGTACAGGAGTGTTCC[A>G]AAGAGGATGAAGAAGATGCCGAAACCGGTGATCCCCACACCAATCTCTGCAATGGGCAAG-3'
Protein context (NP_940849.1, residues 14-34): ITGFGIFFIL[Phe24=]GTLLYFDSVL